The following is an entry in ClinVar:

ClinVar aggregate classification (germline): Likely benign (1 of 4 stars; one submission).

Submission:

CeGaT Center for Human Genetics Tuebingen
Classification: Likely benign. Last evaluated: 2023-01-01. Review status: criteria provided, single submitter. Criteria: CeGaT Center For Human Genetics Tuebingen Variant Classification Criteria Version 2. Collection method: clinical testing. Allele origin: germline. Affected: yes. Observed: 2 variant alleles.
Comment: COQ8A: BS2

NM_020247.5(COQ8A):c.656-1256_656-1241del

Gene: COQ8A (coenzyme Q8A; plus strand). Cytogenetic location: 1q42.13.
Variant type: Deletion.
Coding change: c.656-1256_656-1241del on transcript NM_020247.5 (MANE Select); 1256 bases into the intron before coding-DNA position 656 through 1241 bases into the intron before coding-DNA position 656, 16 bases deleted (GGGCTGTGGGACTGCG).
Molecular consequence: intron variant.
Genome position (GRCh38, 1-based): chr1:226,976,193-226,976,208, GGGCTGTGGGACTGCG deleted; deleting any 16 consecutive bases within chr1:226,976,184-226,976,208 gives the same sequence; the c. name uses the placement nearest the transcript's 3' end. VCF-style (leftmost placement, unchanged base first): chr1-226976183-CGGGACTGCGGGGCTGT-C. GRCh37 (hg19) VCF-style: chr1-227163884-CGGGACTGCGGGGCTGT-C.
Identifiers: ClinVar variation 2639975 (VCV002639975.24), dbSNP rs1397581552, ClinGen allele CA529183052.